The following is an entry in ClinVar:

NM_004260.4(RECQL4):c.2663A>G (p.Gln888Arg)

Gene: RECQL4 (RecQ like helicase 4; minus strand). Cytogenetic location: 8q24.3.
Variant type: single nucleotide variant.
Coding change: c.2663A>G on transcript NM_004260.4 (MANE Select); coding-DNA position 2663, A replaced by G.
Protein change: p.Gln888Arg; replaces glutamine 888 with arginine.
Molecular consequence: missense variant.
Genome position (GRCh38, 1-based): chr8:144,512,939, T>C on the plus strand (A>G on the coding strand, the complement: RECQL4 is on the minus strand). VCF-style: chr8-144512939-T-C. GRCh37 (hg19) VCF-style: chr8-145738322-T-C.
Other names: short protein forms Q888R.
Identifiers: ClinVar variation 582833 (VCV000582833.4), dbSNP rs1564792721, ClinGen allele CA372675494.

ClinVar aggregate classification (germline): Uncertain significance (1 of 4 stars; one submission).

Conditions:
Baller-Gerold syndrome (BGS). Also called: CRANIOSYNOSTOSIS WITH RADIAL DEFECTS. Identifiers: Orphanet 1225, MedGen C0265308, MONDO:0009039, OMIM 218600.

Allele frequency attached by ClinVar (database versions not stated): gnomAD exomes below 0.00001.
gnomAD v4.1: 1 of 1,576,714 alleles (0.000063%); highest among the groups gnomAD compares: South Asian, 0.0012%; no homozygotes.

Submission:

Labcorp Genetics (formerly Invitae), Labcorp
Classification: Uncertain significance for Baller-Gerold syndrome. Last evaluated: 2021-06-26. Review status: criteria provided, single submitter. Criteria: Invitae Variant Classification Sherloc (09022015). Collection method: clinical testing. Allele origin: germline.
Comment: This variant is not present in population databases (ExAC no frequency). This variant has not been reported in the literature in individuals with RECQL4-related disease. Algorithms developed to predict the effect of missense changes on protein structure and function (SIFT, PolyPhen-2, Align-GVGD) all suggest that this variant is likely to be tolerated, but these predictions have not been confirmed by published functional studies and their clinical significance is uncertain. In summary, the available evidence is currently insufficient to determine the role of this variant in disease. Therefore, it has been classified as a Variant of Uncertain Significance. This sequence change replaces glutamine with arginine at codon 888 of the RECQL4 protein (p.Gln888Arg). The glutamine residue is moderately conserved and there is a small physicochemical difference between glutamine and arginine.